The following is an entry in ClinVar:

ClinVar aggregate classification (germline): Pathogenic/Likely pathogenic. Review status: criteria provided, multiple submitters, no conflicts (2 of 4 stars). 5 submissions from 5 submitters: Pathogenic (3); Likely pathogenic (1). 1 of the submissions does not count toward it. Last evaluated 2024-01-04.

Conditions:
GLDC-related disorder. Also called: GLDC-related condition.
GLDC-related disorders.
Glycine encephalopathy. Also called: Nonketotic hyperglycinemia; Non-ketotic hyperglycinemia. Identifiers: Orphanet 407, MedGen C0751748, MONDO:0011612, HP:0008288.

Allele frequency attached by ClinVar (database versions not stated): gnomAD exomes below 0.00001.
gnomAD v4.1: 2 of 1,613,984 alleles (0.00012%); highest among the groups gnomAD compares: Non-Finnish European, 0.00017%; no homozygotes.

Submissions (5):

Labcorp Genetics (formerly Invitae), Labcorp
Classification: Pathogenic for Glycine encephalopathy. Last evaluated: 2024-01-04. Review status: criteria provided, single submitter. Criteria: Invitae Variant Classification Sherloc (09022015). Collection method: clinical testing. Allele origin: germline.
Comment: This sequence change creates a premature translational stop signal (p.Trp805*) in the GLDC gene. It is expected to result in an absent or disrupted protein product. Loss-of-function variants in GLDC are known to be pathogenic (PMID: 16601880). This variant is not present in population databases (gnomAD no frequency). This premature translational stop signal has been observed in individual(s) with clinical features of glycine encephalopathy (PMID: 12402263). ClinVar contains an entry for this variant (Variation ID: 56076). Algorithms developed to predict the effect of sequence changes on RNA splicing suggest that this variant may disrupt the consensus splice site. For these reasons, this variant has been classified as Pathogenic.

PreventionGenetics, part of Exact Sciences
Classification: Pathogenic for GLDC-related condition. Last evaluated: 2022-10-25. Review status: criteria provided, single submitter. Criteria: ACMG Guidelines, 2015. Collection method: clinical testing. Allele origin: germline.
Comment: The GLDC c.2414G>A variant is predicted to result in premature protein termination (p.Trp805*). The c.2414G>A (p.Trp805*) variant has not been reported in a large population database, indicating this variant is rare. Nonsense variants in GLDC are expected to be pathogenic. Taken together, this variant is interpreted as pathogenic.

GeneDx
Classification: Pathogenic. Last evaluated: 2022-04-26. Review status: criteria provided, single submitter. Criteria: GeneDx Variant Classification Process June 2021. Collection method: clinical testing. Allele origin: germline. Affected: yes.
Comment: Nonsense variant predicted to result in protein truncation or nonsense mediated decay in a gene for which loss-of-function is a known mechanism of disease; Not observed at significant frequency in large population cohorts (gnomAD); This variant is associated with the following publications: (PMID: 25525159, 12402263)

Blueprint Genetics
Classification: Likely pathogenic for GLDC-related disorders. Last evaluated: 2018-07-06. Review status: criteria provided, single submitter. Criteria: ACMG Guidelines, 2015. Collection method: clinical testing. Allele origin: germline. Affected: yes. Observed: 1 variant allele.

Juha Muilu Group; Institute for Molecular Medicine Finland (FIMM)
Classification: Likely pathogenic for Non-ketotic hyperglycinemia. Review status: no assertion criteria provided. Collection method: not provided. Allele origin: unknown. Not counted in ClinVar's aggregate classification.
Comment: FinDis database variant: This variant was not found or characterized by our laboratory, data were collected from public sources: see reference
ClinVar note: Converted during submission from probable-pathogenic to Likely pathogenic.

Literature cited by the submitters: PubMed 16601880 (cited by Labcorp Genetics (formerly Invitae), Labcorp); PubMed 12402263 (cited by Labcorp Genetics (formerly Invitae), Labcorp).

NM_000170.3(GLDC):c.2414G>A (p.Trp805Ter)

Gene: GLDC (glycine decarboxylase; minus strand). Cytogenetic location: 9p24.1.
Variant type: single nucleotide variant.
Coding change: c.2414G>A on transcript NM_000170.3 (MANE Select); coding-DNA position 2414, G replaced by A.
Protein change: p.Trp805Ter; replaces tryptophan 805 with a stop codon.
Molecular consequence: nonsense.
Genome position (GRCh38, 1-based): chr9:6,553,411, C>T on the plus strand (G>A on the coding strand, the complement: GLDC is on the minus strand). VCF-style: chr9-6553411-C-T. GRCh37 (hg19) VCF-style: chr9-6553411-C-T.
Other names: short protein forms W805*.
Identifiers: ClinVar variation 56076 (VCV000056076.11), dbSNP rs386833557, ClinGen allele CA263369.